The following is an entry in ClinVar:

NM_182961.4(SYNE1):c.10631A>T (p.Glu3544Val)

Gene: SYNE1 (spectrin repeat containing nuclear envelope protein 1; minus strand). Cytogenetic location: 6q25.2.
Variant type: single nucleotide variant.
Coding change: c.10631A>T on transcript NM_182961.4 (MANE Select); coding-DNA position 10631, A replaced by T.
Protein change: p.Glu3544Val; replaces glutamic acid 3544 with valine.
Molecular consequence: missense variant.
Genome position (GRCh38, 1-based): chr6:152,354,954, T>A on the plus strand (A>T on the coding strand, the complement: SYNE1 is on the minus strand). VCF-style: chr6-152354954-T-A. GRCh37 (hg19) VCF-style: chr6-152676089-T-A.
Other names: c.10652A>T, p.Glu3551Val (NM_033071.5); short protein forms E3544V, E3551V.
Identifiers: ClinVar variation 598286 (VCV000598286.7), dbSNP rs777169518, ClinGen allele CA4056904.

ClinVar aggregate classification (germline): Uncertain significance. Review status: criteria provided, multiple submitters, no conflicts (2 of 4 stars). 2 submissions from 2 submitters: Uncertain significance (2). Last evaluated 2019-10-22.

Allele frequency attached by ClinVar (database versions not stated): ExAC 0.00002; gnomAD exomes 0.00001.
gnomAD v4.1: 21 of 1,614,088 alleles (0.0013%); highest among the groups gnomAD compares: Non-Finnish European, 0.0018%; no homozygotes.

Submissions (2):

GeneDx
Classification: Uncertain significance. Last evaluated: 2019-10-22. Review status: criteria provided, single submitter. Criteria: GeneDx Variant Classification Process June 2021. Collection method: clinical testing. Allele origin: germline. Affected: yes.
Comment: Not observed at a significant frequency in large population cohorts (Lek et al., 2016); In silico analysis, which includes protein predictors and evolutionary conservation, supports a deleterious effect; Has not been previously published as pathogenic or benign to our knowledge

Eurofins Ntd Llc (ga)
Classification: Uncertain significance. Last evaluated: 2018-08-09. Review status: criteria provided, single submitter. Criteria: EGL ClinVar v180209 classification definitions. Collection method: clinical testing. Allele origin: germline. Observed: 1 variant allele, 1 heterozygote.